The following is an entry in ClinVar:

ClinVar aggregate classification (germline): Uncertain significance (1 of 4 stars; one submission).

Conditions:
Neurodegeneration with brain iron accumulation 6 (NBIA6). Also called: COASY protein-associated neurodegeneration. Identifiers: Orphanet 397725, MedGen C4517377, MONDO:0014290, OMIM 615643.

Submission:

Labcorp Genetics (formerly Invitae), Labcorp
Classification: Uncertain significance for Neurodegeneration with brain iron accumulation 6. Last evaluated: 2022-01-14. Review status: criteria provided, single submitter. Criteria: Invitae Variant Classification Sherloc (09022015). Collection method: clinical testing. Allele origin: germline.
Comment: In summary, the available evidence is currently insufficient to determine the role of this variant in disease. Therefore, it has been classified as a Variant of Uncertain Significance. Algorithms developed to predict the effect of missense changes on protein structure and function (SIFT, PolyPhen-2, Align-GVGD) all suggest that this variant is likely to be tolerated. This variant has not been reported in the literature in individuals affected with COASY-related conditions. This variant is not present in population databases (gnomAD no frequency). This sequence change replaces lysine, which is basic and polar, with arginine, which is basic and polar, at codon 319 of the COASY protein (p.Lys319Arg).

NM_025233.7(COASY):c.956A>G (p.Lys319Arg)

Gene: COASY (Coenzyme A synthase; plus strand). Cytogenetic location: 17q21.2.
Variant type: single nucleotide variant.
Coding change: c.956A>G on transcript NM_025233.7 (MANE Select); coding-DNA position 956, A replaced by G.
Protein change: p.Lys319Arg; replaces lysine 319 with arginine.
Molecular consequence: missense variant.
Genome position (GRCh38, 1-based): chr17:42,564,486, A>G. VCF-style: chr17-42564486-A-G. GRCh37 (hg19) VCF-style: chr17-40716504-A-G.
Other names: c.956A>G, p.Lys319Arg (NM_001042529.3); c.1043A>G, p.Lys348Arg (NM_001042532.4); short protein forms K319R, K348R.
Identifiers: ClinVar variation 1427078 (VCV001427078.6), dbSNP rs2143209633, ClinGen allele CA399596249.
Genomic context (GRCh38, chr17:42,564,486, plus strand): 5'-CCCTTTCCTCTTTACCCCAGGACCTGGAGGAACTTGCTTTGTACCAGATCCAGCTGCTGA[A>G]GGACCTCAGACATACAGAGAATGAAGAGGACAAAGTCAGCTCCTCCAGCTTCCGCCAGCG-3'
Protein context (NP_079509.5, residues 309-329): ELALYQIQLL[Lys319Arg]DLRHTENEED